The following is an entry in ClinVar:

ClinVar aggregate classification (germline): Uncertain significance (1 of 4 stars; one submission).

Conditions:
Growth hormone insensitivity with immune dysregulation 1, autosomal recessive. Also called: GROWTH HORMONE INSENSITIVITY DUE TO POSTRECEPTOR DEFECT; LARON SYNDROME DUE TO POSTRECEPTOR DEFECT; Laron syndrome with immunodeficiency; GROWTH HORMONE INSENSITIVITY SYNDROME WITH IMMUNE DYSREGULATION 1, AUTOSOMAL RECESSIVE. Identifiers: Orphanet 220465, MedGen C5435698, MONDO:0100211, OMIM 245590.

gnomAD v4.1: 2 of 1,614,158 alleles (0.00012%); highest among the groups gnomAD compares: Non-Finnish European, 0.00017%; no homozygotes.

Submission:

Labcorp Genetics (formerly Invitae), Labcorp
Classification: Uncertain significance for Growth hormone insensitivity with immune dysregulation 1, autosomal recessive. Last evaluated: 2025-08-12. Review status: criteria provided, single submitter. Criteria: Invitae Variant Classification Sherloc (09022015). Collection method: clinical testing. Allele origin: germline.
Comment: This sequence change replaces serine, which is neutral and polar, with phenylalanine, which is neutral and non-polar, at codon 652 of the STAT5B protein (p.Ser652Phe). This variant is not present in population databases (gnomAD no frequency). This variant has not been reported in the literature in individuals affected with STAT5B-related conditions. Invitae Evidence Modeling of protein sequence and biophysical properties (such as structural, functional, and spatial information, amino acid conservation, physicochemical variation, residue mobility, and thermodynamic stability) has been performed for this missense variant. However, the output from this modeling did not meet the statistical confidence thresholds required to predict the impact of this variant on STAT5B protein function. In summary, the available evidence is currently insufficient to determine the role of this variant in disease. Therefore, it has been classified as a Variant of Uncertain Significance.

NM_012448.4(STAT5B):c.1955C>T (p.Ser652Phe)

Gene: STAT5B (signal transducer and activator of transcription 5B; minus strand). Cytogenetic location: 17q21.2.
Variant type: single nucleotide variant.
Coding change: c.1955C>T on transcript NM_012448.4 (MANE Select); coding-DNA position 1955, C replaced by T.
Protein change: p.Ser652Phe; replaces serine 652 with phenylalanine.
Molecular consequence: missense variant.
Genome position (GRCh38, 1-based): chr17:42,207,680, G>A on the plus strand (C>T on the coding strand, the complement: STAT5B is on the minus strand). VCF-style: chr17-42207680-G-A. GRCh37 (hg19) VCF-style: chr17-40359698-G-A.
Other names: short protein forms S652F.
Identifiers: ClinVar variation 4768481 (VCV004768481.1).
Genomic context (GRCh38, chr17:42,207,680, plus strand): 5'-TCAGGAAACACGTAGATAAGGTAATTCAAGTCTCCCAAGCGGTCGGCTAGGGACCGAATG[G>A]AGAAGTCTCTGGTGGTAAAAGGCATCAGATTCCAAAACATTCTTTCCTCTAGATCAATAA-3'
Protein context (NP_036580.2, residues 642-662): NLMPFTTRDF[Ser652Phe]IRSLADRLGD